The following is an entry in ClinVar:

ClinVar aggregate classification (germline): Uncertain significance (1 of 4 stars; one submission).

Conditions:
CHARGE syndrome (CHARGE). Also called: Hittner Hirsch Kreh syndrome; CHARGE ASSOCIATION--COLOBOMA, HEART ANOMALY, CHOANAL ATRESIA, RETARDATION, GENITAL AND EAR ANOMALIES; Coloboma, heart anomaly, choanal atresia, retardation, genital and ear anomalies; CHARGE association; Hall-Hittner syndrome. Identifiers: Orphanet 138, MedGen C0265354, MONDO:0008965.

Submission:

Labcorp Genetics (formerly Invitae), Labcorp
Classification: Uncertain significance for CHARGE syndrome. Last evaluated: 2024-09-11. Review status: criteria provided, single submitter. Criteria: Invitae Variant Classification Sherloc (09022015). Collection method: clinical testing. Allele origin: germline.
Comment: This sequence change replaces proline, which is neutral and non-polar, with serine, which is neutral and polar, at codon 2493 of the CHD7 protein (p.Pro2493Ser). This variant is not present in population databases (gnomAD no frequency). This variant has not been reported in the literature in individuals affected with CHD7-related conditions. Invitae Evidence Modeling of protein sequence and biophysical properties (such as structural, functional, and spatial information, amino acid conservation, physicochemical variation, residue mobility, and thermodynamic stability) indicates that this missense variant is not expected to disrupt CHD7 protein function with a negative predictive value of 95%. In summary, the available evidence is currently insufficient to determine the role of this variant in disease. Therefore, it has been classified as a Variant of Uncertain Significance.

NM_017780.4(CHD7):c.7477C>T (p.Pro2493Ser)

Gene: CHD7 (chromodomain helicase DNA binding protein 7; plus strand). Cytogenetic location: 8q12.2.
Variant type: single nucleotide variant.
Coding change: c.7477C>T on transcript NM_017780.4 (MANE Select); coding-DNA position 7477, C replaced by T.
Protein change: p.Pro2493Ser; replaces proline 2493 with serine.
Molecular consequence: missense variant. On other transcripts: intron variant (1).
Genome position (GRCh38, 1-based): chr8:60,856,757, C>T. VCF-style: chr8-60856757-C-T. GRCh37 (hg19) VCF-style: chr8-61769316-C-T.
Other names: c.1717-5472C>T (NM_001316690.1); short protein forms P2493S.
Identifiers: ClinVar variation 3604491 (VCV003604491.2).